The following is an entry in ClinVar:

NM_004446.3(EPRS1):c.2085C>T (p.Ala695=)

Gene: EPRS1 (glutamyl-prolyl-tRNA synthetase 1; minus strand). Cytogenetic location: 1q41.
Variant type: single nucleotide variant.
Coding change: c.2085C>T on transcript NM_004446.3 (MANE Select); coding-DNA position 2085, C replaced by T.
Protein change: p.Ala695=; no amino-acid change (alanine 695 retained).
Molecular consequence: synonymous variant.
Genome position (GRCh38, 1-based): chr1:220,001,234, G>A on the plus strand (C>T on the coding strand, the complement: EPRS1 is on the minus strand). VCF-style: chr1-220001234-G-A. GRCh37 (hg19) VCF-style: chr1-220174576-G-A.
Other names: c.2085C>T (NM_004446.2).
Identifiers: ClinVar variation 1166608 (VCV001166608.35), dbSNP rs144613889, ClinGen allele CA1400073.
Genomic context (GRCh38, chr1:220,001,234, plus strand): 5'-TGACCCTGATGTTGGCATTTCCTTTGTGTGCCCATCAGGAATGTATATCAAAACACACGG[G>A]GCTTCCTTGCAACTATATGGGCTAAAAAGAAAATAAAGGGACAAAATAGTTTATTTGAAC-3'
Protein context (NP_004437.2, residues 685-705): EPVSPYSCKE[Ala695=]PCVLIYIPDG

ClinVar aggregate classification (germline): Benign/Likely benign. Review status: criteria provided, multiple submitters, no conflicts (2 of 4 stars). 5 submissions from 5 submitters: Benign (2); Likely benign (2). 1 of the submissions does not count toward it. Last evaluated 2025-07-10.

Conditions:
EPRS1-related disorder. Also called: EPRS1-related condition.

Allele frequency attached by ClinVar (database versions not stated): gnomAD exomes 0.00010 and 0.00032; 1000 Genomes Project 30x 0.00031; 1000 Genomes Project 0.00040; ExAC 0.00040; gnomAD 0.00102 and 0.00109; TOPMed 0.00138; ESP Exome Variant Server 0.00161.
gnomAD v4.1: 314 of 1,611,884 alleles (0.019%); highest among the groups gnomAD compares: African/African-American, 0.34%; 1 homozygote.

Submissions (5):

Labcorp Genetics (formerly Invitae), Labcorp
Classification: Benign. Last evaluated: 2025-07-10. Review status: criteria provided, single submitter. Criteria: Invitae Variant Classification Sherloc (09022015). Collection method: clinical testing. Allele origin: germline.

CeGaT Center for Human Genetics Tuebingen
Classification: Likely benign. Last evaluated: 2023-09-01. Review status: criteria provided, single submitter. Criteria: CeGaT Center For Human Genetics Tuebingen Variant Classification Criteria Version 2. Collection method: clinical testing. Allele origin: germline. Affected: yes. Observed: 2 variant alleles.
Comment: EPRS1: BP4, BP7

Blueprint Genetics
Classification: Likely benign. Last evaluated: 2022-03-18. Review status: criteria provided, single submitter. Criteria: ACMG Guidelines, 2015. Collection method: clinical testing. Allele origin: germline.

Breakthrough Genomics
Classification: Benign. Review status: criteria provided, single submitter. Criteria: ACMG Guidelines, 2015. Collection method: not provided. Allele origin: germline. Inheritance: Autosomal recessive inheritance. Affected: yes.

PreventionGenetics, part of Exact Sciences
Classification: Likely benign for EPRS1-related condition. Last evaluated: 2019-02-21. Review status: no assertion criteria provided. Collection method: clinical testing. Allele origin: germline. Not counted in ClinVar's aggregate classification.
Comment: This variant is classified as likely benign based on ACMG/AMP sequence variant interpretation guidelines (Richards et al. 2015 PMID: 25741868, with internal and published modifications).